The following is an entry in ClinVar:

NM_017780.4(CHD7):c.6104-5T>C

Gene: CHD7 (chromodomain helicase DNA binding protein 7; plus strand). Cytogenetic location: 8q12.2.
Variant type: single nucleotide variant.
Coding change: c.6104-5T>C on transcript NM_017780.4 (MANE Select); 5 bases into the intron before coding-DNA position 6104, T replaced by C.
Molecular consequence: intron variant.
Genome position (GRCh38, 1-based): chr8:60,852,824, T>C. VCF-style: chr8-60852824-T-C. GRCh37 (hg19) VCF-style: chr8-61765383-T-C.
Other names: c.1717-9405T>C (NM_001316690.1).
Identifiers: ClinVar variation 1586181 (VCV001586181.13), dbSNP rs376131239, ClinGen allele CA4760532.

ClinVar aggregate classification (germline): Likely benign. Review status: criteria provided, multiple submitters, no conflicts (2 of 4 stars). 2 submissions from 2 submitters: Likely benign (2). Last evaluated 2025-09-01.

Conditions:
CHARGE syndrome (CHARGE). Also called: Coloboma, heart anomaly, choanal atresia, retardation, genital and ear anomalies; CHARGE association; Hall-Hittner syndrome; Hittner Hirsch Kreh syndrome; CHARGE ASSOCIATION--COLOBOMA, HEART ANOMALY, CHOANAL ATRESIA, RETARDATION, GENITAL AND EAR ANOMALIES. Identifiers: Orphanet 138, MedGen C0265354, MONDO:0008965.

Allele frequency attached by ClinVar (database versions not stated): gnomAD 0.00001; gnomAD exomes 0.00001 and 0.00002; ExAC 0.00002; TOPMed 0.00003; ESP Exome Variant Server 0.00008.
gnomAD v4.1: 14 of 1,611,208 alleles (0.00087%); highest among the groups gnomAD compares: Admixed American, 0.005%; no homozygotes.

Submissions (2):

CeGaT Center for Human Genetics Tuebingen
Classification: Likely benign. Last evaluated: 2025-09-01. Review status: criteria provided, single submitter. Criteria: CeGaT Center For Human Genetics Tuebingen Variant Classification Criteria Version 2. Collection method: clinical testing. Allele origin: germline. Affected: yes. Observed: 1 variant allele.
Comment: CHD7: BP4

Labcorp Genetics (formerly Invitae), Labcorp
Classification: Likely benign for CHARGE syndrome. Last evaluated: 2025-01-14. Review status: criteria provided, single submitter. Criteria: Invitae Variant Classification Sherloc (09022015). Collection method: clinical testing. Allele origin: germline.